The following is an entry in ClinVar:

ClinVar aggregate classification (germline): Conflicting classifications of pathogenicity. Review status: criteria provided, conflicting classifications (1 of 4 stars). 2 submissions from 2 submitters: Pathogenic (1); Uncertain significance (1). Last evaluated 2023-07-09.

Conditions:
Joubert syndrome. Also called: JOUBERT-BOLTSHAUSER SYNDROME; Familial aplasia of the vermis. Identifiers: Orphanet 475, MedGen C5979921, MONDO:0018772.

Submissions (2):

Labcorp Genetics (formerly Invitae), Labcorp
Classification: Pathogenic for Joubert syndrome. Last evaluated: 2023-07-09. Review status: criteria provided, single submitter. Criteria: Invitae Variant Classification Sherloc (09022015). Collection method: clinical testing. Allele origin: germline.
Comment: For these reasons, this variant has been classified as Pathogenic. This variant has not been reported in the literature in individuals affected with AHI1-related conditions. This variant is present in population databases (rs781680525, gnomAD 0.004%). This sequence change creates a premature translational stop signal (p.Glu1168Asnfs*10) in the AHI1 gene. It is expected to result in an absent or disrupted protein product. Loss-of-function variants in AHI1 are known to be pathogenic (PMID: 15322546, 16453322, 28442542, 29186038).

Blueprint Genetics
Classification: Uncertain significance. Last evaluated: 2020-09-10. Review status: criteria provided, single submitter. Criteria: ACMG Guidelines, 2015. Collection method: clinical testing. Allele origin: germline.

Literature cited by the submitters: PubMed 15322546 (cited by Labcorp Genetics (formerly Invitae), Labcorp); PubMed 16453322 (cited by Labcorp Genetics (formerly Invitae), Labcorp); PubMed 28442542 (cited by Labcorp Genetics (formerly Invitae), Labcorp); PubMed 29186038 (cited by Labcorp Genetics (formerly Invitae), Labcorp).

NM_001134831.2(AHI1):c.3501del (p.Glu1168fs)

Gene: AHI1 (Abelson helper integration site 1; minus strand). Cytogenetic location: 6q23.3.
Variant type: Deletion.
Coding change: c.3501del on transcript NM_001134831.2 (MANE Select); coding-DNA position 3501, one base deleted (A; older notation c.3501delA).
Protein change: p.Glu1168fs; shifts the reading frame from glutamic acid 1168.
Molecular consequence: frameshift variant. On other transcripts: intron variant (1).
Genome position (GRCh38, 1-based): chr6:135,290,510, T deleted on the plus strand (A on the coding strand, the reverse complement: AHI1 is on the minus strand); the first of 4 consecutive T bases (chr6:135,290,510-135,290,513); deleting any one gives the same sequence. VCF-style (leftmost placement, unchanged base first): chr6-135290509-CT-C. GRCh37 (hg19) VCF-style: chr6-135611647-CT-C.
Other names: c.3501del, p.Glu1168fs (NM_001134830.2, NM_001350503.2, NM_017651.5); c.3486-4863del (NM_001350504.2); short protein forms E1168fs.
Identifiers: ClinVar variation 2871164 (VCV002871164.4), dbSNP rs781680525, ClinGen allele CA4011965.
Genomic context (GRCh38, chr6:135,290,509, plus strand): 5'-CTTGCTTGTTCTTCCTCATCCGTGTATCCATTATGTGTCCTTGGTCCTCATGGCTCTGTT[CT>C]TTTCTCATTTCAGAACTATAGGAGGGAAAGATCAGAAACAAGGAGCCAGTAAAAGAGAGC-3'